The following is an entry in ClinVar:

NC_000002.11:g.(?_15644249)_(15644357_?)del

Gene: NBAS (NBAS subunit of NRZ tethering complex; minus strand). Cytogenetic location: 2p24.3.
Variant type: Deletion.
Identifiers: ClinVar variation 2426220 (VCV002426220.4).

ClinVar aggregate classification (germline): Uncertain significance (1 of 4 stars; one submission).

Submission:

Labcorp Genetics (formerly Invitae), Labcorp
Classification: Uncertain significance. Last evaluated: 2022-07-24. Review status: criteria provided, single submitter. Criteria: Invitae Variant Classification Sherloc (09022015). Collection method: clinical testing. Allele origin: germline.
Comment: In summary, the available evidence is currently insufficient to determine the role of this variant in disease. Therefore, it has been classified as a Variant of Uncertain Significance. Experimental studies and prediction algorithms are not available or were not evaluated, and the functional significance of this variant is currently unknown. This variant has not been reported in the literature in individuals affected with NBAS-related conditions. This variant is a gross deletion of the genomic region encompassing exon(s) 11 of the NBAS gene. This variant would be expected to be in-frame, preserving the integrity of the reading frame.